The following is an entry in ClinVar:

NM_145331.3(MAP3K7):c.332C>T (p.Ser111Phe)

Gene: MAP3K7 (mitogen-activated protein kinase kinase kinase 7; minus strand). Cytogenetic location: 6q15.
Variant type: single nucleotide variant.
Coding change: c.332C>T on transcript NM_145331.3 (MANE Select); coding-DNA position 332, C replaced by T.
Protein change: p.Ser111Phe; replaces serine 111 with phenylalanine.
Molecular consequence: missense variant.
Genome position (GRCh38, 1-based): chr6:90,561,633, G>A on the plus strand (C>T on the coding strand, the complement: MAP3K7 is on the minus strand). VCF-style: chr6-90561633-G-A. GRCh37 (hg19) VCF-style: chr6-91271352-G-A.
Other names: c.332C>T, p.Ser111Phe (NM_003188.4, NM_145332.3, NM_145333.3); short protein forms S111F.
Identifiers: ClinVar variation 1690904 (VCV001690904.2), dbSNP rs2127979430, ClinGen allele CA365015942.
Genomic context (GRCh38, chr6:90,561,633, plus strand): 5'-TTCAAATTATTTTAATCCACTAGATAAAGACAGGTCTAATGACACTCACCATTATATAAA[G>A]AGCCCCCTTCAGCATATTCCATCACAAGACACACCTAAAGGAAACATATATCAGAAGCAT-3'
Protein context (NP_663304.1, residues 101-121): CLVMEYAEGG[Ser111Phe]LYNVLHGAEP

ClinVar aggregate classification (germline): Uncertain significance (1 of 4 stars; one submission).

Submission:

Laboratorio de Genetica e Diagnostico Molecular, Hospital Israelita Albert Einstein
Classification: Uncertain significance. Last evaluated: 2020-06-25. Review status: criteria provided, single submitter. Criteria: ACMG Guidelines, 2015. Collection method: clinical testing. Allele origin: germline. Affected: yes.
Comment: ACMG classification criteria: PM2, PP2, PP3